The following is an entry in ClinVar:

ClinVar aggregate classification (germline): Uncertain significance (1 of 4 stars; one submission).

Submission:

Labcorp Genetics (formerly Invitae), Labcorp
Classification: Uncertain significance. Last evaluated: 2022-08-19. Review status: criteria provided, single submitter. Criteria: Invitae Variant Classification Sherloc (09022015). Collection method: clinical testing. Allele origin: germline.
Comment: This sequence change affects an acceptor splice site in intron 4 of the CFD gene. While this variant is not anticipated to result in nonsense mediated decay, it likely alters RNA splicing and results in a disrupted protein product. This variant is not present in population databases (gnomAD no frequency). In summary, the available evidence is currently insufficient to determine the role of this variant in disease. Therefore, it has been classified as a Variant of Uncertain Significance. Variants that disrupt the consensus splice site are a relatively common cause of aberrant splicing (PMID: 17576681, 9536098). Algorithms developed to predict the effect of sequence changes on RNA splicing suggest that this variant may disrupt the consensus splice site. This variant has not been reported in the literature in individuals affected with CFD-related conditions.

Literature cited by the submitters: PubMed 17576681; PubMed 9536098.

NM_001928.4(CFD):c.616-2A>G

Gene: CFD (complement factor D; plus strand). Cytogenetic location: 19p13.3.
Variant type: single nucleotide variant.
Coding change: c.616-2A>G on transcript NM_001928.4 (MANE Select); the canonical splice acceptor site of the intron before coding-DNA position 616, A replaced by G.
Molecular consequence: splice acceptor variant.
Genome position (GRCh38, 1-based): chr19:863,090, A>G. VCF-style: chr19-863090-A-G. GRCh37 (hg19) VCF-style: chr19-863090-A-G.
Other names: c.637-2A>G (NM_001317335.2).
Identifiers: ClinVar variation 2024793 (VCV002024793.4), dbSNP rs2512180341, ClinGen allele CA402923413.